The following is an entry in ClinVar:

ClinVar aggregate classification (germline): Pathogenic/Likely pathogenic. Review status: criteria provided, multiple submitters, no conflicts (2 of 4 stars). 4 submissions from 4 submitters: Pathogenic (3); Likely pathogenic (1). Last evaluated 2024-08-27.

Conditions:
Hereditary breast ovarian cancer syndrome. Also called: BRCA1- and BRCA2-Associated Hereditary Breast and Ovarian Cancer; Hereditary breast and ovarian cancer syndrome; Hereditary breast and ovarian cancer syndrome (HBOC); Hereditary breast and/or ovarian cancer syndrome; Breast and ovarian cancer; Hereditary breast and ovarian cancer. Identifiers: Orphanet 145, MedGen C0677776, MeSH D061325, MONDO:0003582. Disease mechanism: loss of function.
Hereditary cancer-predisposing syndrome. Also called: Hereditary neoplastic syndrome; Neoplastic Syndromes, Hereditary; Hereditary Cancer Syndrome; Tumor predisposition. Identifiers: Orphanet 140162, MedGen C0027672, MeSH D009386, MONDO:0015356.

Submissions (4):

Quest Diagnostics Nichols Institute San Juan Capistrano
Classification: Likely pathogenic. Last evaluated: 2024-08-27. Review status: criteria provided, single submitter. Criteria: Quest Diagnostics criteria. Collection method: clinical testing. Allele origin: unknown.
Comment: The BRCA2 c.8805_8806dup (p.Leu2936Cysfs*2) variant alters the translational reading frame of the BRCA2 mRNA and is predicted to cause the premature termination of BRCA2 protein synthesis. This variant has not been reported in individuals with BRCA2-related conditions in the published literature. This variant has not been reported in large, multi-ethnic general populations (Genome Aggregation Database). Based on the available information, this variant is classified as likely pathogenic.

Ambry Genetics
Classification: Pathogenic for Hereditary cancer-predisposing syndrome. Last evaluated: 2022-03-02. Review status: criteria provided, single submitter. Criteria: Ambry Variant Classification Scheme 2023. Collection method: clinical testing. Allele origin: germline.
Comment: The c.8805_8806dupGT pathogenic mutation, located in coding exon 21 of the BRCA2 gene, results from a duplication of GT at nucleotide position 8805, causing a translational frameshift with a predicted alternate stop codon (p.L2936Cfs*2). This variant is considered to be rare based on population cohorts in the Genome Aggregation Database (gnomAD). This alteration is expected to result in loss of function by premature protein truncation or nonsense-mediated mRNA decay. As such, this alteration is interpreted as a disease-causing mutation.

Labcorp Genetics (formerly Invitae), Labcorp
Classification: Pathogenic for Hereditary breast ovarian cancer syndrome. Last evaluated: 2021-01-26. Review status: criteria provided, single submitter. Criteria: Invitae Variant Classification Sherloc (09022015). Collection method: clinical testing. Allele origin: germline.
Comment: For these reasons, this variant has been classified as Pathogenic. This variant has not been reported in the literature in individuals with BRCA2-related conditions. ClinVar contains an entry for this variant (Variation ID: 657461). This variant is not present in population databases (ExAC no frequency). This sequence change creates a premature translational stop signal (p.Leu2936Cysfs*2) in the BRCA2 gene. It is expected to result in an absent or disrupted protein product. Loss-of-function variants in BRCA2 are known to be pathogenic (PMID: 20104584).

Color Diagnostics, LLC DBA Color Health
Classification: Pathogenic for Hereditary cancer-predisposing syndrome. Last evaluated: 2019-09-16. Review status: criteria provided, single submitter. Criteria: ACMG Guidelines, 2015. Collection method: clinical testing. Allele origin: germline.
Comment: This variant inserts 2 nucleotides in exon 22 of the BRCA2 gene, creating a frameshift and premature translation stop signal. This variant is expected to result in an absent or non-functional protein product. Splice site prediction tools suggest that this variant may not impact RNA splicing. To our knowledge, functional studies have not been performed for this variant. This variant has not been reported in individuals affected with hereditary cancer in the literature. This variant has not been identified in the general population by the Genome Aggregation Database (gnomAD). Loss of BRCA2 function is a known mechanism of disease. Based on the available evidence, this variant is classified as Pathogenic.

Literature cited by the submitters: PubMed 20104584 (cited by Labcorp Genetics (formerly Invitae), Labcorp).

NM_000059.4(BRCA2):c.8805_8806dup (p.Leu2936fs)

Gene: BRCA2 (BRCA2 DNA repair associated; plus strand). Cytogenetic location: 13q13.1.
Variant type: Duplication.
Coding change: c.8805_8806dup on transcript NM_000059.4 (MANE Select); coding-DNA positions 8805 to 8806, 2 bases duplicated (GT; older notation c.8805_8806dupGT).
Protein change: p.Leu2936fs; shifts the reading frame from leucine 2936.
Molecular consequence: frameshift variant.
Genome position (GRCh38, 1-based): chr13:32,379,367-32,379,368, GT duplicated; duplicating any 2 consecutive bases within chr13:32,379,366-32,379,368 gives the same sequence; the c. name uses the placement nearest the transcript's 3' end. VCF-style (leftmost placement, unchanged base first): chr13-32379365-A-ATG. GRCh37 (hg19) VCF-style: chr13-32953502-A-ATG.
Other names: c.8805_8806dupGT (NM_000059.3); short protein forms L2936fs.
Identifiers: ClinVar variation 657461 (VCV000657461.15), dbSNP rs1593936593, ClinGen allele CA915948611.
Genomic context (GRCh38, chr13:32,379,365, plus strand): 5'-AAATGGTCACAGGGTTATTTCAGTGAAGAGCAGTTAAGAGCCTTGAATAATCACAGGCAA[A>ATG]TGTTGAATGATAAGAAACAAGCTCAGATCCAGTTGGAAATTAGGAAGGCCATGGAATCTG-3'